The following is an entry in ClinVar:

NM_000135.4(FANCA):c.336C>G (p.Leu112=)

Gene: FANCA (FA complementation group A; minus strand). Cytogenetic location: 16q24.3.
Variant type: single nucleotide variant.
Coding change: c.336C>G on transcript NM_000135.4 (MANE Select); coding-DNA position 336, C replaced by G.
Protein change: p.Leu112=; no amino-acid change (leucine 112 retained).
Molecular consequence: synonymous variant.
Genome position (GRCh38, 1-based): chr16:89,811,019, G>C on the plus strand (C>G on the coding strand, the complement: FANCA is on the minus strand). VCF-style: chr16-89811019-G-C. GRCh37 (hg19) VCF-style: chr16-89877427-G-C.
Other names: c.336C>G, p.Leu112= (NM_001018112.3, NM_001286167.3, NM_001351830.2); c.336C>G (NM_000135.2).
Identifiers: ClinVar variation 1136345 (VCV001136345.12), dbSNP rs774843944, ClinGen allele CA8253062.
Genomic context (GRCh38, chr16:89,811,019, plus strand): 5'-ACTGGTCTCCGCTGGAGCCGTGCAGATCTGTCCCACGCTAGAGGCAACCATCCCGGCTGA[G>C]AGAATACCCACGGGAACCCCCAGCCTTGAGGCTTGATCCTGCAAAGCAGAGCCTTAAACA-3'
Protein context (NP_000126.2, residues 102-122): ASRLGVPVGI[Leu112=]SAGMVASSVG

ClinVar aggregate classification (germline): Likely benign. Review status: criteria provided, multiple submitters, no conflicts (2 of 4 stars). 3 submissions from 3 submitters: Likely benign (2). 1 of the submissions does not count toward it. Last evaluated 2025-11-04.

Conditions:
Inborn genetic diseases. Identifiers: MedGen C0950123, MeSH D030342.
Fanconi anemia (FA). Also called: Fanconi's anemia. Identifiers: Orphanet 84, MedGen C0015625, MeSH D005199, MONDO:0019391.
FANCA-related disorder. Also called: FANCA-related condition.

Allele frequency attached by ClinVar (database versions not stated): ExAC 0.00001.
gnomAD v4.1: 30 of 1,614,068 alleles (0.0019%); highest among the groups gnomAD compares: Non-Finnish European, 0.0025%; no homozygotes.

Submissions (3):

Labcorp Genetics (formerly Invitae), Labcorp
Classification: Likely benign for Fanconi anemia. Last evaluated: 2025-11-04. Review status: criteria provided, single submitter. Criteria: Invitae Variant Classification Sherloc (09022015). Collection method: clinical testing. Allele origin: germline.

Ambry Genetics
Classification: Likely benign for Inborn genetic diseases. Last evaluated: 2024-12-15. Review status: criteria provided, single submitter. Criteria: Ambry Variant Classification Scheme 2023. Collection method: clinical testing. Allele origin: germline.

PreventionGenetics, part of Exact Sciences
Classification: Likely benign for FANCA-related condition. Last evaluated: 2019-06-12. Review status: no assertion criteria provided. Collection method: clinical testing. Allele origin: germline. Not counted in ClinVar's aggregate classification.
Comment: This variant is classified as likely benign based on ACMG/AMP sequence variant interpretation guidelines (Richards et al. 2015 PMID: 25741868, with internal and published modifications).